The following is an entry in ClinVar:

NM_031407.7(HUWE1):c.8746G>A (p.Asp2916Asn)

Gene: HUWE1 (HECT, UBA and WWE domain containing E3 ubiquitin protein ligase 1; minus strand). Cytogenetic location: Xp11.22.
Variant type: single nucleotide variant.
Coding change: c.8746G>A on transcript NM_031407.7 (MANE Select); coding-DNA position 8746, G replaced by A.
Protein change: p.Asp2916Asn; replaces aspartic acid 2916 with asparagine.
Molecular consequence: missense variant.
Genome position (GRCh38, 1-based): chrX:53,552,642, C>T on the plus strand (G>A on the coding strand, the complement: HUWE1 is on the minus strand). VCF-style: chrX-53552642-C-T. GRCh37 (hg19) VCF-style: chrX-53579603-C-T.
Other names: short protein forms D2916N.
Identifiers: ClinVar variation 2660619 (VCV002660619.24), dbSNP rs369858708, ClinGen allele CA10421754.

ClinVar aggregate classification (germline): Uncertain significance (1 of 4 stars; one submission).

Allele frequency attached by ClinVar (database versions not stated): ExAC 0.00001; gnomAD exomes 0.00001; ESP Exome Variant Server 0.00009.
gnomAD v4.1: 5 of 1,211,947 alleles (0.00041%); highest among the groups gnomAD compares: Non-Finnish European, 0.00056%; no homozygotes.

Submission:

CeGaT Center for Human Genetics Tuebingen
Classification: Uncertain significance. Last evaluated: 2024-05-01. Review status: criteria provided, single submitter. Criteria: CeGaT Center For Human Genetics Tuebingen Variant Classification Criteria Version 2. Collection method: clinical testing. Allele origin: germline. Affected: yes. Observed: 1 variant allele.
Comment: HUWE1: PM2